The following is an entry in ClinVar:

NM_001048174.2(MUTYH):c.1554T>G (p.Ser518Arg)

Gene: MUTYH (mutY DNA glycosylase; minus strand). Cytogenetic location: 1p34.1.
Variant type: single nucleotide variant.
Coding change: c.1554T>G on transcript NM_001048174.2 (MANE Select); coding-DNA position 1554, T replaced by G.
Protein change: p.Ser518Arg; replaces serine 518 with arginine.
Molecular consequence: missense variant. On other transcripts: non-coding transcript variant (2).
Genome position (GRCh38, 1-based): chr1:45,329,318, A>C on the plus strand (T>G on the coding strand, the complement: MUTYH is on the minus strand). VCF-style: chr1-45329318-A-C. GRCh37 (hg19) VCF-style: chr1-45794990-A-C.
Other names: c.1554T>G, p.Ser518Arg (NM_001048171.2, NM_001048173.2, NM_001293195.2); c.1557T>G, p.Ser519Arg (NM_001048172.2); c.1638T>G, p.Ser546Arg (NM_001128425.2); c.1599T>G, p.Ser533Arg (NM_001293190.2); c.1587T>G, p.Ser529Arg (NM_001293191.2); c.1278T>G, p.Ser426Arg (NM_001293192.2, NM_001293196.2); c.1209T>G, p.Ser403Arg (NM_001350650.2, NM_001350651.2); c.1629T>G, p.Ser543Arg (NM_012222.3); short protein forms S546R, S533R, S518R, S519R, S529R, S543R, S403R, S426R.
Identifiers: ClinVar variation 533307 (VCV000533307.18), dbSNP rs1553122794, ClinGen allele CA340131498.

ClinVar aggregate classification (germline): Conflicting classifications of pathogenicity. Review status: criteria provided, conflicting classifications (1 of 4 stars). 3 submissions from 3 submitters: Uncertain significance (2); Benign (1). Last evaluated 2025-09-09.

Conditions:
Hereditary cancer-predisposing syndrome. Also called: Tumor predisposition; Hereditary neoplastic syndrome; Neoplastic Syndromes, Hereditary; Hereditary Cancer Syndrome. Identifiers: Orphanet 140162, MedGen C0027672, MeSH D009386, MONDO:0015356.
Familial adenomatous polyposis 2. Also called: MUTYH Polyposis; COLORECTAL ADENOMATOUS POLYPOSIS, AUTOSOMAL RECESSIVE; ADENOMAS, MULTIPLE COLORECTAL, AUTOSOMAL RECESSIVE; MUTYH-associated polyposis; MUTYH-related attenuated familial adenomatous polyposis; Adenomas, multiple colorectal. Identifiers: Orphanet 220460, Orphanet 247798, MedGen C3272841, MONDO:0012041, OMIM 608456.

Submissions (3):

Ambry Genetics
Classification: Benign for Hereditary cancer-predisposing syndrome. Last evaluated: 2025-09-09. Review status: criteria provided, single submitter. Criteria: Ambry Variant Classification Scheme 2023. Collection method: clinical testing. Allele origin: germline.

Labcorp Genetics (formerly Invitae), Labcorp
Classification: Uncertain significance for Familial adenomatous polyposis 2. Last evaluated: 2023-12-09. Review status: criteria provided, single submitter. Criteria: Invitae Variant Classification Sherloc (09022015). Collection method: clinical testing. Allele origin: germline.
Comment: This sequence change replaces serine, which is neutral and polar, with arginine, which is basic and polar, at codon 546 of the MUTYH protein (p.Ser546Arg). This variant is not present in population databases (gnomAD no frequency). This variant has not been reported in the literature in individuals affected with MUTYH-related conditions. ClinVar contains an entry for this variant (Variation ID: 533307). An algorithm developed to predict the effect of missense changes on protein structure and function (PolyPhen-2) suggests that this variant is likely to be tolerated. In summary, the available evidence is currently insufficient to determine the role of this variant in disease. Therefore, it has been classified as a Variant of Uncertain Significance.

Color Diagnostics, LLC DBA Color Health
Classification: Uncertain significance for Hereditary cancer-predisposing syndrome. Last evaluated: 2023-12-04. Review status: criteria provided, single submitter. Criteria: ACMG Guidelines, 2015. Collection method: clinical testing. Allele origin: germline.
Comment: This missense variant replaces serine with arginine at codon 546 of the MUTYH protein. Computational prediction tools and conservation analyses are inconclusive regarding the impact of this variant on protein structure and function. Splice site prediction tools suggest that this variant may not impact RNA splicing. To our knowledge, functional studies have not been performed for this variant. This variant has not been reported in individuals affected with hereditary cancer in the literature. This variant has not been identified in the general population by the Genome Aggregation Database (gnomAD). The available evidence is insufficient to determine the role of this variant in disease conclusively. Therefore, this variant is classified as a Variant of Uncertain Significance.